The following is an entry in ClinVar:

NM_000540.3(RYR1):c.12836C>T (p.Ala4279Val)

Gene: RYR1 (ryanodine receptor 1; plus strand). Cytogenetic location: 19q13.2.
Variant type: single nucleotide variant.
Coding change: c.12836C>T on transcript NM_000540.3 (MANE Select); coding-DNA position 12836, C replaced by T.
Protein change: p.Ala4279Val; replaces alanine 4279 with valine.
Molecular consequence: missense variant.
Genome position (GRCh38, 1-based): chr19:38,565,170, C>T. VCF-style: chr19-38565170-C-T. GRCh37 (hg19) VCF-style: chr19-39055810-C-T.
Other names: c.12821C>T, p.Ala4274Val (NM_001042723.2); short protein forms A4279V, A4274V.
Identifiers: ClinVar variation 1959298 (VCV001959298.6), dbSNP rs1170708792, ClinGen allele CA405672216.
Genomic context (GRCh38, chr19:38,565,170, plus strand): 5'-CCGACGAGGACGAGGGCGCGGGCGCGGCGGAGGCGGGCGCGGAAGGCGCGGAGGAGGGCG[C>T]GGCGGGGCTCGAGGGCACGGCGGCCACGGCGGCGGCGGGGGCGACGGCGCGGGTTGTGGC-3'
Protein context (NP_000531.2, residues 4269-4289): EAGAEGAEEG[Ala4279Val]AGLEGTAATA

ClinVar aggregate classification (germline): Uncertain significance. Review status: criteria provided, multiple submitters, no conflicts (2 of 4 stars). 3 submissions from 3 submitters: Uncertain significance (3). Last evaluated 2025-06-24.

Conditions:
Inborn genetic diseases. Identifiers: MedGen C0950123, MeSH D030342.
RYR1-related disorder. Also called: RYR1-related condition; RYR1-related disorders. Identifiers: MedGen CN239331.

Allele frequency attached by ClinVar (database versions not stated): gnomAD 0.00001.
gnomAD v4.1: 10 of 1,368,444 alleles (0.00073%); highest among the groups gnomAD compares: Admixed American, 0.0056%; no homozygotes.

Submissions (3):

Labcorp Genetics (formerly Invitae), Labcorp
Classification: Uncertain significance for RYR1-related disorder. Last evaluated: 2025-06-24. Review status: criteria provided, single submitter. Criteria: Invitae Variant Classification Sherloc (09022015). Collection method: clinical testing. Allele origin: germline.
Comment: This sequence change replaces alanine, which is neutral and non-polar, with valine, which is neutral and non-polar, at codon 4279 of the RYR1 protein (p.Ala4279Val). The frequency data for this variant in the population databases is considered unreliable, as metrics indicate poor data quality at this position in the gnomAD database. This variant has not been reported in the literature in individuals affected with RYR1-related conditions. ClinVar contains an entry for this variant (Variation ID: 1959298). Invitae Evidence Modeling of protein sequence and biophysical properties (such as structural, functional, and spatial information, amino acid conservation, physicochemical variation, residue mobility, and thermodynamic stability) indicates that this missense variant is not expected to disrupt RYR1 protein function with a negative predictive value of 95%. In summary, the available evidence is currently insufficient to determine the role of this variant in disease. Therefore, it has been classified as a Variant of Uncertain Significance.

Ambry Genetics
Classification: Uncertain significance for Inborn genetic diseases. Last evaluated: 2025-05-30. Review status: criteria provided, single submitter. Criteria: Ambry Variant Classification Scheme 2023. Collection method: clinical testing. Allele origin: germline.

Women's Health and Genetics/Laboratory Corporation of America, LabCorp
Classification: Uncertain significance. Last evaluated: 2024-02-19. Review status: criteria provided, single submitter. Criteria: LabCorp Variant Classification Summary - May 2015. Collection method: clinical testing. Allele origin: germline.
Comment: Variant summary: RYR1 c.12836C>T (p.Ala4279Val) results in a non-conservative amino acid change in the encoded protein sequence. Four of five in-silico tools predict a benign effect of the variant on protein function. The variant allele was found at a frequency of 7.3e-06 in 1368444 control chromosomes (gnomAD v4.0). The observed variant frequency is approximately 2.6 fold of the estimated maximal expected allele frequency for a pathogenic variant in RYR1 causing Central Core Disease phenotype (2.8e-06), strongly suggesting that the variant is benign. c.12836C>T has been reported in the literature as a de novo occurrence in an individual affected with Central Core Disease (Barbosa-Gouveia_2022). These data do not allow any conclusion about variant significance. To our knowledge, no experimental evidence demonstrating an impact on protein function has been reported. The following publication has been ascertained in the context of this evaluation (PMID: 35628876). ClinVar contains an entry for this variant (Variation ID: 1959298). Based on the evidence outlined above, the variant was classified as VUS-possibly benign.

Literature cited by the submitters: PubMed 35628876 (cited by Women's Health and Genetics/Laboratory Corporation of America, LabCorp).